The following is an entry in ClinVar:

NM_000405.5(GM2A):c.178G>C (p.Val60Leu)

Gene: GM2A (ganglioside GM2 activator; plus strand). Cytogenetic location: 5q33.1.
Variant type: single nucleotide variant.
Coding change: c.178G>C on transcript NM_000405.5 (MANE Select); coding-DNA position 178, G replaced by C.
Protein change: p.Val60Leu; replaces valine 60 with leucine.
Molecular consequence: missense variant.
Genome position (GRCh38, 1-based): chr5:151,259,851, G>C. VCF-style: chr5-151259851-G-C. GRCh37 (hg19) VCF-style: chr5-150639412-G-C.
Other names: c.178G>C, p.Val60Leu (NM_001167607.3); short protein forms V60L.
Identifiers: ClinVar variation 1492776 (VCV001492776.4), dbSNP rs201829650, ClinGen allele CA361805927.

ClinVar aggregate classification (germline): Uncertain significance (1 of 4 stars; one submission).

Conditions:
Tay-Sachs disease, variant AB. Also called: Gm2-gangliosidosis, ab variant; GM2 Activator Deficiency. Identifiers: Orphanet 309246, MedGen C0268275, MONDO:0010099, OMIM 272750.

gnomAD v4.1: 2 of 1,613,520 alleles (0.00012%); highest among the groups gnomAD compares: South Asian, 0.0011%; no homozygotes.

Submission:

Labcorp Genetics (formerly Invitae), Labcorp
Classification: Uncertain significance for Tay-Sachs disease, variant AB. Last evaluated: 2023-07-07. Review status: criteria provided, single submitter. Criteria: Invitae Variant Classification Sherloc (09022015). Collection method: clinical testing. Allele origin: germline.
Comment: In summary, the available evidence is currently insufficient to determine the role of this variant in disease. Therefore, it has been classified as a Variant of Uncertain Significance. An algorithm developed to predict the effect of missense changes on protein structure and function (PolyPhen-2) suggests that this variant¬†is likely to be tolerated. ClinVar contains an entry for this variant (Variation ID: 1492776). This variant has not been reported in the literature in individuals affected with GM2A-related conditions. This variant is not present in population databases (gnomAD no frequency). This sequence change replaces valine, which is neutral and non-polar, with leucine, which is neutral and non-polar, at codon 60 of the GM2A protein (p.Val60Leu).